The following is an entry in ClinVar:

NM_001378414.1(HDAC4):c.386A>C (p.Glu129Ala)

Gene: HDAC4 (histone deacetylase 4; minus strand). Cytogenetic location: 2q37.3.
Variant type: single nucleotide variant.
Coding change: c.386A>C on transcript NM_001378414.1 (MANE Select); coding-DNA position 386, A replaced by C.
Protein change: p.Glu129Ala; replaces glutamic acid 129 with alanine.
Molecular consequence: missense variant.
Genome position (GRCh38, 1-based): chr2:239,176,517, T>G on the plus strand (A>C on the coding strand, the complement: HDAC4 is on the minus strand). VCF-style: chr2-239176517-T-G. GRCh37 (hg19) VCF-style: chr2-240098213-T-G.
Other names: c.386A>C, p.Glu129Ala (NM_001378415.1, NM_001378416.1, NM_001378417.1 and 1 more transcripts); short protein forms E129A.
Identifiers: ClinVar variation 2580948 (VCV002580948.1), dbSNP rs2043784521, ClinGen allele CA351274754.

ClinVar aggregate classification (germline): Uncertain significance (1 of 4 stars; one submission).

Conditions:
Neurodevelopmental disorder with central hypotonia and dysmorphic facies (NEDCHF). Identifiers: MedGen C5676944, MONDO:0859232, OMIM 619797.

Allele frequency attached by ClinVar (database versions not stated): gnomAD exomes below 0.00001; TOPMed below 0.00001; gnomAD 0.00001.
gnomAD v4.1: 6 of 1,613,340 alleles (0.00037%); highest among the groups gnomAD compares: Admixed American, 0.0017%; no homozygotes.

Submission:

Dr. med. U. Finckh, Human Genetics, Eurofins MVZ
Classification: Uncertain significance for Neurodevelopmental disorder with central hypotonia and dysmorphic facies. Last evaluated: 2022-03-29. Review status: criteria provided, single submitter. Criteria: ACMG Guidelines, 2015. Collection method: clinical testing. Allele origin: unknown. Observed: 1 heterozygote.
Comment: The variant is not present in gnomAD. In silico tools do not support a pathogenic relevance. A likely alternate molecular basis for disease has been identified.